The following is an entry in ClinVar:

NM_002907.4(RECQL):c.1006A>C (p.Asn336His)

Gene: RECQL (RecQ like helicase; minus strand). Cytogenetic location: 12p12.1.
Variant type: single nucleotide variant.
Coding change: c.1006A>C on transcript NM_002907.4 (MANE Select); coding-DNA position 1006, A replaced by C.
Protein change: p.Asn336His; replaces asparagine 336 with histidine.
Molecular consequence: missense variant.
Genome position (GRCh38, 1-based): chr12:21,475,768, T>G on the plus strand (A>C on the coding strand, the complement: RECQL is on the minus strand). VCF-style: chr12-21475768-T-G. GRCh37 (hg19) VCF-style: chr12-21628702-T-G.
Other names: c.1006A>C, p.Asn336His (NM_032941.3); short protein forms N336H.
Identifiers: ClinVar variation 4842801 (VCV004842801.1).

ClinVar aggregate classification (germline): Uncertain significance (1 of 4 stars; one submission).

Submission:

Ambry Genetics
Classification: Uncertain significance. Last evaluated: 2026-01-11. Review status: criteria provided, single submitter. Criteria: Ambry Variant Classification Scheme 2023. Collection method: clinical testing. Allele origin: germline.
Comment: The p.N336H variant (also known as c.1006A>C), located in coding exon 8 of the RECQL gene, results from an A to C substitution at nucleotide position 1006. The asparagine at codon 336 is replaced by histidine, an amino acid with similar properties. This amino acid position is conserved. In addition, this alteration is predicted to be tolerated by in silico analysis. Based on the available evidence, the clinical significance of this variant remains unclear.